The following is an entry in ClinVar:

ClinVar aggregate classification (germline): Likely pathogenic (1 of 4 stars; one submission).

Conditions:
Arthrogryposis- oculomotor limitation-electroretinal anomalies syndrome. Also called: ARTHROGRYPOSIS, DISTAL, TYPE 5; ARTHROGRYPOSIS WITH OCULOMOTOR LIMITATION AND ELECTRORETINAL ABNORMALITIES; ARTHROGRYPOSIS, DISTAL, TYPE IIB. Identifiers: Orphanet 1154, MedGen C1862472, MONDO:0007158, OMIM 108145.

Submission:

MVZ Praenatalmedizin und Genetik Nuernberg
Classification: Likely pathogenic for Arthrogryposis- oculomotor limitation-electroretinal anomalies syndrome. Last evaluated: 2025-02-06. Review status: criteria provided, single submitter. Criteria: ACMG Guidelines, 2015. Collection method: clinical testing. Allele origin: de novo. Affected: yes.
Comment: It has not yet been detected in the general population (gnomAD v2, v4), annotated in the ClinVar database, or described in the literature. In silico predictions indicate a pathogenic effect of the variant (CADD 26, GERP 5.35, REVEL 0.338 uncertain, alphaMissense 0.77 likely pathogenic). An alternative substitution affecting the same amino acid position (c.2372T>A, (p.Ile791Lys)) has already been classified once in ClinVar as pathogenic for arthrogryposis type 5. In general, both nonsense (~30%), frameshift (~27%), missense (~22%), and splicing (~21%) changes are described as (probably) pathogenic (ClinVar). In summary, based on the current data, we assess the above variant as a probably pathogenic gene alteration.

NM_001378183.1(PIEZO2):c.2371A>C (p.Ile791Leu)

Gene: PIEZO2 (piezo type mechanosensitive ion channel component 2; minus strand). Cytogenetic location: 18p11.22.
Variant type: single nucleotide variant.
Coding change: c.2371A>C on transcript NM_001378183.1 (MANE Select); coding-DNA position 2371, A replaced by C.
Protein change: p.Ile791Leu; replaces isoleucine 791 with leucine.
Molecular consequence: missense variant.
Genome position (GRCh38, 1-based): chr18:10,784,905, T>G on the plus strand (A>C on the coding strand, the complement: PIEZO2 is on the minus strand). VCF-style: chr18-10784905-T-G. GRCh37 (hg19) VCF-style: chr18-10784903-T-G.
Other names: c.2371A>C, p.Ile791Leu (NM_001410871.1, NM_022068.4); short protein forms I791L.
Identifiers: ClinVar variation 4813466 (VCV004813466.1).